The following is an entry in ClinVar:

NM_005045.4(RELN):c.2359G>T (p.Ala787Ser)

Gene: RELN (reelin; minus strand). Cytogenetic location: 7q22.1.
Variant type: single nucleotide variant.
Coding change: c.2359G>T on transcript NM_005045.4 (MANE Select); coding-DNA position 2359, G replaced by T.
Protein change: p.Ala787Ser; replaces alanine 787 with serine.
Molecular consequence: missense variant.
Genome position (GRCh38, 1-based): chr7:103,635,531, C>A on the plus strand (G>T on the coding strand, the complement: RELN is on the minus strand). VCF-style: chr7-103635531-C-A. GRCh37 (hg19) VCF-style: chr7-103275978-C-A.
Other names: c.2359G>T, p.Ala787Ser (NM_173054.3); short protein forms A787S.
Identifiers: ClinVar variation 521887 (VCV000521887.8), dbSNP rs1254113534, ClinGen allele CA368760171.

ClinVar aggregate classification (germline): Uncertain significance. Review status: criteria provided, multiple submitters, no conflicts (2 of 4 stars). 2 submissions from 2 submitters: Uncertain significance (2). Last evaluated 2025-01-06.

Conditions:
Inborn genetic diseases. Identifiers: MedGen C0950123, MeSH D030342.
Norman-Roberts syndrome (LIS2). Also called: Lissencephaly 2 (Norman-Roberts type). Identifiers: Orphanet 89844, MedGen C0796089, MONDO:0009760, OMIM 257320.
Familial temporal lobe epilepsy 7. Identifiers: Orphanet 101046, MedGen C4225327, MONDO:0014639, OMIM 616436.

Allele frequency attached by ClinVar (database versions not stated): TOPMed below 0.00001.
gnomAD v4.1: 2 of 1,614,020 alleles (0.00012%); highest among the groups gnomAD compares: Non-Finnish European, 0.00017%; no homozygotes.

Submissions (2):

Labcorp Genetics (formerly Invitae), Labcorp
Classification: Uncertain significance for Familial temporal lobe epilepsy 7; Norman-Roberts syndrome. Last evaluated: 2025-01-06. Review status: criteria provided, single submitter. Criteria: Invitae Variant Classification Sherloc (09022015). Collection method: clinical testing. Allele origin: germline.
Comment: This sequence change replaces alanine, which is neutral and non-polar, with serine, which is neutral and polar, at codon 787 of the RELN protein (p.Ala787Ser). This variant is not present in population databases (gnomAD no frequency). This variant has not been reported in the literature in individuals affected with RELN-related conditions. ClinVar contains an entry for this variant (Variation ID: 521887). Invitae Evidence Modeling of protein sequence and biophysical properties (such as structural, functional, and spatial information, amino acid conservation, physicochemical variation, residue mobility, and thermodynamic stability) indicates that this missense variant is not expected to disrupt RELN protein function with a negative predictive value of 80%. In summary, the available evidence is currently insufficient to determine the role of this variant in disease. Therefore, it has been classified as a Variant of Uncertain Significance.

Ambry Genetics
Classification: Uncertain significance for Hereditary disease. Last evaluated: 2017-07-27. Review status: criteria provided, single submitter. Criteria: ambry_reporting_categories_2017. Collection method: clinical testing. Allele origin: germline. Affected: yes. Observed: 1 heterozygote. Segregation with disease observed.
Comment: Lines of evidence used in support of classification: UNCERTAIN: Alteration(s) of Uncertain Clinical Significance Detected

Literature cited by the submitters: PubMed 24267886 (cited by Ambry Genetics); PubMed 10973257 (cited by Ambry Genetics); PubMed 17431900 (cited by Ambry Genetics); PubMed 25621899 (cited by Ambry Genetics); PubMed 17955477 (cited by Ambry Genetics); PubMed 26046367 (cited by Ambry Genetics); PubMed 25648840 (cited by Ambry Genetics); PubMed 16958033 (cited by Ambry Genetics); PubMed 11748497 (cited by Ambry Genetics).